The following is an entry in ClinVar:

NM_004187.5(KDM5C):c.2119T>G (p.Cys707Gly)

Gene: KDM5C (lysine demethylase 5C; minus strand). Cytogenetic location: Xp11.22.
Variant type: single nucleotide variant.
Coding change: c.2119T>G on transcript NM_004187.5 (MANE Select); coding-DNA position 2119, T replaced by G.
Protein change: p.Cys707Gly; replaces cysteine 707 with glycine.
Molecular consequence: missense variant. On other transcripts: non-coding transcript variant (3).
Genome position (GRCh38, 1-based): chrX:53,199,101, A>C on the plus strand (T>G on the coding strand, the complement: KDM5C is on the minus strand). VCF-style: chrX-53199101-A-C. GRCh37 (hg19) VCF-style: chrX-53228283-A-C.
Other names: c.1918T>G, p.Cys640Gly (NM_001146702.2); c.2116T>G, p.Cys706Gly (NM_001282622.3, NM_001353979.2, NM_001353982.2); c.2119T>G, p.Cys707Gly (NM_001353978.3, NM_001353981.2, NM_001353984.2); short protein forms C640G, C706G, C707G.
Identifiers: ClinVar variation 2499407 (VCV002499407.1), dbSNP rs2519419607, ClinGen allele CA413120471.

ClinVar aggregate classification (germline): Uncertain significance (1 of 4 stars; one submission).

Submission:

GeneDx
Classification: Uncertain significance. Last evaluated: 2022-10-11. Review status: criteria provided, single submitter. Criteria: GeneDx Variant Classification Process June 2021. Collection method: clinical testing. Allele origin: germline. Affected: yes.
Comment: Not observed at significant frequency in large population cohorts (gnomAD); In silico analysis supports that this missense variant has a deleterious effect on protein structure/function; Has not been previously published as pathogenic or benign to our knowledge